The following is an entry in ClinVar:

NM_000059.3(BRCA2):c.2808_2811del (p.Ala938Profs)

Gene: BRCA2 (BRCA2 DNA repair associated; plus strand). Cytogenetic location: 13q13.1.
Variant type: Deletion.
Coding change: c.2808_2811del on transcript NM_000059.3; coding-DNA positions 2808 to 2811, 4 bases deleted (ACAA; older notation c.2808_2811delACAA).
Protein change: p.Ala938Profs; shifts the reading frame from alanine 938.
Genome position (GRCh38, 1-based): chr13:32,337,163-32,337,166, ACAA deleted; deleting any 4 consecutive bases within chr13:32,337,161-32,337,166 gives the same sequence; the c. name uses the placement nearest the transcript's 3' end. VCF-style (leftmost placement, unchanged base first): chr13-32337160-TAAAC-T. GRCh37 (hg19) VCF-style: chr13-32911297-TAAAC-T.
Other names: 3036delACAA; 3034del4; 3036_3039delACAA; p.Ala938ProfsX21; 3036del4; c.2808_2811delACAA (NM_000059.3); c.2806_2809delAAAC (NM_000059.3); c.2808_2811del, p.Ala938fs (NM_000059.4); short protein forms A938fs.
Identifiers: ClinVar variation 9322 (VCV000009322.177), dbSNP rs80359351, ClinGen allele CA016424.

ClinVar aggregate classification (germline): Pathogenic. Review status: reviewed by expert panel (3 of 4 stars). 70 submissions from 66 submitters: Pathogenic (1). 69 of the submissions do not count toward it. Last evaluated 2016-04-22.

Conditions:
Hereditary breast ovarian cancer syndrome. Also called: Hereditary breast and ovarian cancer; Hereditary breast and ovarian cancer syndrome (HBOC); Hereditary breast and ovarian cancer syndrome; Hereditary breast and/or ovarian cancer syndrome; Breast and ovarian cancer; BRCA1- and BRCA2-Associated Hereditary Breast and Ovarian Cancer. Identifiers: Orphanet 145, MedGen C0677776, MeSH D061325, MONDO:0003582. Disease mechanism: loss of function.
Fanconi anemia complementation group D1. Also called: BRCA2-Related Fanconi Anemia. Identifiers: Orphanet 319462, MedGen C1838457, MONDO:0011584, OMIM 605724.
Medulloblastoma (MDB). Also called: MEDULLOBLASTOMA PREDISPOSITION SYNDROME; Medulloblastoma, somatic. Identifiers: Orphanet 616, MedGen C0025149, MeSH D008527, MONDO:0007959, OMIM 155255, HP:0002885.
Familial prostate cancer. Also called: Hereditary Prostate Cancer. Identifiers: MedGen C2931456, MONDO:0700275, OMIM 176807.
Glioma susceptibility 3 (GLM3). Also called: Glioblastoma 3. Identifiers: Orphanet 182067, Orphanet 360, MedGen C2751641, MONDO:0013093, OMIM 613029.
Wilms tumor 1 (WT1). Also called: Wilms tumor, somatic. Identifiers: Orphanet 654, MedGen CN033288, MONDO:0008679, OMIM 194070.
Pancreatic cancer, susceptibility to, 2. Identifiers: Orphanet 1333, MedGen C3150546, MONDO:0013235, OMIM 613347.
Breast-ovarian cancer, familial, susceptibility to, 2 (BROVCA2). Also called: BRCA2 Hereditary Breast and Ovarian Cancer. Identifiers: Orphanet 145, MedGen C2675520, MONDO:0012933, OMIM 612555. Disease mechanism: loss of function.
Familial cancer of breast. Also called: Hereditary breast cancer; hereditary breast carcinoma; BREAST CANCER, FAMILIAL. Identifiers: Orphanet 227535, MedGen C0346153, MONDO:0016419, OMIM 114480. Disease mechanism: loss of function.
Inherited ovarian cancer (without breast cancer).
Inherited breast cancer and ovarian cancer.
BRCA2-related cancer predisposition. Identifiers: MedGen CN377758, MONDO:0700269.
Uterine corpus cancer. Identifiers: MedGen CN277893, MONDO:0006003.
BRCA2-related disorder. Also called: BRCA2-related condition; BRCA2-related disorders. Identifiers: MedGen CN239275.
Breast and/or ovarian cancer. Identifiers: MedGen CN221562.
Breast neoplasm. Also called: Breast Neoplasms; Neoplasm of the breast; Neoplasm of breast; Breast tumor. Identifiers: MedGen C1458155, MeSH D001943, MONDO:0021100, HP:0100013. Disease mechanism: gain of function.
Hereditary cancer-predisposing syndrome. Also called: Tumor predisposition; Neoplastic Syndromes, Hereditary; Hereditary neoplastic syndrome; Hereditary Cancer Syndrome. Identifiers: Orphanet 140162, MedGen C0027672, MeSH D009386, MONDO:0015356.
Gastric cancer. Also called: Malignant tumor of stomach; Stomach cancer. Identifiers: MedGen C0024623, MeSH D013274, MONDO:0001056, OMIM 613659, HP:0012126.
Breast-ovarian cancer, familial, susceptibility to, 1 (BROVCA1). Also called: OVARIAN CANCER, SUSCEPTIBILITY TO; BRCA1 Hereditary Breast and Ovarian Cancer. Identifiers: Orphanet 145, MedGen C2676676, MONDO:0011450, OMIM 604370. Disease mechanism: loss of function.
Malignant tumor of breast. Also called: Malignant breast neoplasm; Cancer breast. Identifiers: MedGen C0006142, MONDO:0007254. Disease mechanism: loss of function.

Submissions 1 to 10 of 70:

Evidence-based Network for the Interpretation of Germline Mutant Alleles (ENIGMA)
Classification: Pathogenic for Breast-ovarian cancer, familial, susceptibility to, 2. Last evaluated: 2016-04-22. Review status: reviewed by expert panel. Criteria: ENIGMA BRCA1/2 Classification Criteria (2015). Collection method: curation. Allele origin: germline.
Comment: Variant allele predicted to encode a truncated non-functional protein.

Genomics and Molecular Medicine Service, East Genomic Laboratory Hub, NHS Genomic Medicine Service
Classification: Pathogenic for Inherited breast cancer and ovarian cancer. Last evaluated: 2026-09-08. Review status: criteria provided, single submitter. Criteria: ACGS Best Practice Guidelines for Variant Classification in Rare Disease 2020. Collection method: clinical testing. Allele origin: germline. Affected: yes. Not counted in ClinVar's aggregate classification.
Comment: PVS1,PM5_Strong

PreventionGenetics, part of Exact Sciences
Classification: Pathogenic for BRCA2-related condition. Last evaluated: 2026-08-23. Review status: criteria provided, single submitter. Criteria: ACMG Guidelines, 2015. Collection method: clinical testing. Allele origin: germline. Not counted in ClinVar's aggregate classification.
Comment: The BRCA2 c.2808_2811delACAA variant is predicted to result in a frameshift and premature protein termination (p.Ala938Profs*21). This variant has been repeatedly reported in patients and families with hereditary breast and ovarian cancer (see for example, Kansuttiviwat et al. 2024. PubMed ID: 38355628; de Juan et al. 2015. PubMed ID: 26026974; Alemar et al. 2017. PubMed ID: 29161300; Heramb et al. 2018. PubMed ID: 29339979) as well as patients with prostate cancer (Edwards et al. 2010. PubMed ID: 20736950; Kote-Jarai et al. 2011. PubMed ID: 21952622). In ClinVar, it is reported as pathogenic by several laboratories, including the ENIGMA expert panel (Variation ID: 9322). This variant is reported in 0.0018% of alleles in individuals of European (Non-Finnish) descent in gnomAD. Frameshift variants in BRCA2 are expected to be pathogenic. Taken together, this variant is interpreted as pathogenic.

Institute of Human Genetics, University of Leipzig Medical Center
Classification: Pathogenic for Breast-ovarian cancer, familial, susceptibility to, 2. Last evaluated: 2026-08-11. Review status: criteria provided, single submitter. Criteria: ACMG Guidelines, 2015. Collection method: clinical testing. Allele origin: unknown. Inheritance: Autosomal dominant inheritance. Affected: yes. Not counted in ClinVar's aggregate classification.
Comment: Criteria applied: PVS1,PP4_VSTR,PM5_STR

CeGaT Center for Human Genetics Tuebingen
Classification: Pathogenic. Last evaluated: 2026-08-01. Review status: criteria provided, single submitter. Criteria: CeGaT Center For Human Genetics Tuebingen Variant Classification Criteria Version 2. Collection method: clinical testing. Allele origin: germline. Affected: yes. Observed: 6 variant alleles. Not counted in ClinVar's aggregate classification.
Comment: BRCA2: PVS1, PS4, PM2

Labcorp Genetics (formerly Invitae), Labcorp
Classification: Pathogenic for Hereditary breast ovarian cancer syndrome. Last evaluated: 2026-01-22. Review status: criteria provided, single submitter. Criteria: Invitae Variant Classification Sherloc (09022015). Collection method: clinical testing. Allele origin: germline. Not counted in ClinVar's aggregate classification.
Comment: This sequence change creates a premature translational stop signal (p.Ala938Profs*21) in the BRCA2 gene. It is expected to result in an absent or disrupted protein product. Loss-of-function variants in BRCA2 are known to be pathogenic (PMID: 20104584). This variant is present in population databases (rs80359351, gnomAD 0.003%). This premature translational stop signal has been observed in individual(s) with female breast cancer, male breast cancer, ovarian cancer, prostate cancer, and pancreatic cancer (PMID: 9585613, 12955716, 21952622, 23929434). This variant is also known as 2807del4, 3034del4, 3036del4, 3034delAAAC, 3036delACAA, and 3036_3039del4. ClinVar contains an entry for this variant (Variation ID: 9322). For these reasons, this variant has been classified as Pathogenic.

Genetics Laboratory, Great Ormond Street Hospital NHS Foundation Trust, North Thames Genomic Laboratory Hub
Classification: Pathogenic for Inherited ovarian cancer (without breast cancer). Last evaluated: 2025-12-11. Review status: criteria provided, single submitter. Criteria: CanVIG BRCA Gene Specific V1.22. Collection method: clinical testing. Allele origin: germline. Affected: yes. Not counted in ClinVar's aggregate classification.
Comment: PS4_very-strong, PVS1_very-strong, PM5_strong

Variantyx, Inc.
Classification: Pathogenic for Breast-ovarian cancer, familial, susceptibility to, 2. Last evaluated: 2025-10-16. Review status: criteria provided, single submitter. Criteria: Variantyx Assertion Criteria 2022. Collection method: clinical testing. Allele origin: germline. Inheritance: Autosomal dominant inheritance. Affected: yes. Not counted in ClinVar's aggregate classification.
Comment: This is a frameshift variant in the BRCA2 gene (OMIM: 600185). Pathogenic variants in this gene have been associated with autosomal dominant susceptibility to familial breast-ovarian cancer 2. This variant introduces a premature termination codon in exon 11 out of 27 and is expected to result in loss of function, which is a known disease mechanism for BRCA2 in this disorder (PMID:22144684) (PVS1). This is an established founder variant in the Colombian and Spanish population (PMID: 28680148, 23929434) (PS4) that has a maximum allele frequency in non-founder control populations of 0.0023%. Based on the current evidence, this variant is classified as pathogenic for autosomal dominant susceptibility to familial breast-ovarian cancer 2.

Genetics Laboratory, Great Ormond Street Hospital NHS Foundation Trust, North Thames Genomic Laboratory Hub
Classification: Pathogenic for Inherited breast cancer and ovarian cancer. Last evaluated: 2025-09-25. Review status: criteria provided, single submitter. Criteria: CanVIG BRCA Gene Specific V1.22. Collection method: clinical testing. Allele origin: germline. Affected: yes. Not counted in ClinVar's aggregate classification.
Comment: PS4_supporting, PVS1_very-strong, PM5_strong

Genomic Medicine Center of Excellence, King Faisal Specialist Hospital and Research Centre
Classification: Pathogenic for Breast-ovarian cancer, familial, susceptibility to, 2. Last evaluated: 2025-09-10. Review status: criteria provided, single submitter. Criteria: ACMG Guidelines, 2015. Collection method: clinical testing. Allele origin: germline. Not counted in ClinVar's aggregate classification.